The following is an entry in ClinVar:

NM_001145715.3(KPNA7):c.697T>C (p.Tyr233His)

Gene: KPNA7 (karyopherin subunit alpha 7; minus strand). Cytogenetic location: 7q22.1.
Variant type: single nucleotide variant.
Coding change: c.697T>C on transcript NM_001145715.3 (MANE Select); coding-DNA position 697, T replaced by C.
Protein change: p.Tyr233His; replaces tyrosine 233 with histidine.
Molecular consequence: missense variant.
Genome position (GRCh38, 1-based): chr7:99,188,503, A>G on the plus strand (T>C on the coding strand, the complement: KPNA7 is on the minus strand). VCF-style: chr7-99188503-A-G. GRCh37 (hg19) VCF-style: chr7-98786126-A-G.
Other names: short protein forms Y233H.
Identifiers: ClinVar variation 1425988 (VCV001425988.7), dbSNP rs757975479, ClinGen allele CA4363203.
Genomic context (GRCh38, chr7:99,188,503, plus strand): 5'-GGTGCTGCAGGAGGTGAAGGAGGGCCGGCAGTATCTGCTTCACCGCAGTGTCGCAAGGGT[A>G]TGGGTTCTTGTTTCGGCACAGATTCGACAAGGTCCACGTGATGTTCCGCAGAAATGTGAT-3'
Protein context (NP_001139187.1, residues 223-243): LSNLCRNKNP[Tyr233His]PCDTAVKQIL

ClinVar aggregate classification (germline): Uncertain significance (1 of 4 stars; one submission).

Allele frequency attached by ClinVar (database versions not stated): gnomAD exomes below 0.00001 and 0.00001; ExAC 0.00005.
gnomAD v4.1: 10 of 1,551,648 alleles (0.00064%); highest among the groups gnomAD compares: South Asian, 0.0048%; no homozygotes.

Submission:

Labcorp Genetics (formerly Invitae), Labcorp
Classification: Uncertain significance. Last evaluated: 2024-12-09. Review status: criteria provided, single submitter. Criteria: Invitae Variant Classification Sherloc (09022015). Collection method: clinical testing. Allele origin: germline.
Comment: This sequence change replaces tyrosine, which is neutral and polar, with histidine, which is basic and polar, at codon 233 of the KPNA7 protein (p.Tyr233His). This variant is present in population databases (rs757975479, gnomAD 0.009%). This variant has not been reported in the literature in individuals affected with KPNA7-related conditions. ClinVar contains an entry for this variant (Variation ID: 1425988). Invitae Evidence Modeling of protein sequence and biophysical properties (such as structural, functional, and spatial information, amino acid conservation, physicochemical variation, residue mobility, and thermodynamic stability) indicates that this missense variant is not expected to disrupt KPNA7 protein function with a negative predictive value of 80%. In summary, the available evidence is currently insufficient to determine the role of this variant in disease. Therefore, it has been classified as a Variant of Uncertain Significance.